The following is an entry in ClinVar:

ClinVar aggregate classification (germline): Uncertain significance. Review status: criteria provided, multiple submitters, no conflicts (2 of 4 stars). 2 submissions from 2 submitters: Uncertain significance (2). Last evaluated 2024-08-20.

Allele frequency attached by ClinVar (database versions not stated): gnomAD exomes 0.00001; ExAC 0.00002; gnomAD 0.00003; TOPMed 0.00003.
gnomAD v4.1: 19 of 1,599,564 alleles (0.0012%); highest among the groups gnomAD compares: Middle Eastern, 0.033%; no homozygotes.

Submissions (2):

Ambry Genetics
Classification: Uncertain significance. Last evaluated: 2024-08-20. Review status: criteria provided, single submitter. Criteria: Ambry Variant Classification Scheme 2023. Collection method: clinical testing. Allele origin: germline.

Labcorp Genetics (formerly Invitae), Labcorp
Classification: Uncertain significance. Last evaluated: 2022-06-27. Review status: criteria provided, single submitter. Criteria: Invitae Variant Classification Sherloc (09022015). Collection method: clinical testing. Allele origin: germline.
Comment: In summary, the available evidence is currently insufficient to determine the role of this variant in disease. Therefore, it has been classified as a Variant of Uncertain Significance. Algorithms developed to predict the effect of missense changes on protein structure and function output the following: SIFT: "Tolerated"; PolyPhen-2: "Benign"; Align-GVGD: "Class C0". The methionine amino acid residue is found in multiple mammalian species, which suggests that this missense change does not adversely affect protein function. This variant has not been reported in the literature in individuals affected with FSCN2-related conditions. The frequency data for this variant in the population databases is considered unreliable, as metrics indicate poor data quality at this position in the gnomAD database. This sequence change replaces valine, which is neutral and non-polar, with methionine, which is neutral and non-polar, at codon 232 of the FSCN2 protein (p.Val232Met).

NM_012418.4(FSCN2):c.694G>A (p.Val232Met)

Gene: FSCN2 (fascin actin-bundling protein 2, retinal; plus strand). Cytogenetic location: 17q25.3.
Variant type: single nucleotide variant.
Coding change: c.694G>A on transcript NM_012418.4 (MANE Select); coding-DNA position 694, G replaced by A.
Protein change: p.Val232Met; replaces valine 232 with methionine.
Molecular consequence: missense variant.
Genome position (GRCh38, 1-based): chr17:81,529,225, G>A. VCF-style: chr17-81529225-G-A. GRCh37 (hg19) VCF-style: chr17-79496251-G-A.
Other names: c.694G>A, p.Val232Met (NM_001077182.3); c.694G>A (NM_001077182.2); short protein forms V232M.
Identifiers: ClinVar variation 1486488 (VCV001486488.7), dbSNP rs782154589, ClinGen allele CA8836754.
Genomic context (GRCh38, chr17:81,529,225, plus strand): 5'-CTGGAGTTCAAGGCGGGCAAGCTGGCCTTCAAGGACTGCGACGGCCACTACCTGGCACCC[G>A]TGGGGCCCGCAGGCACCCTCAAGGCCGGCCGAAACACGCGACCTGGCAAGGATGAGCTCT-3'
Protein context (NP_036550.1, residues 222-242): KDCDGHYLAP[Val232Met]GPAGTLKAGR